The following is an entry in ClinVar:

ClinVar aggregate classification (germline): Benign/Likely benign. Review status: criteria provided, multiple submitters, no conflicts (2 of 4 stars). 8 submissions from 8 submitters: Benign (2); Likely benign (4). 2 of the submissions do not count toward it. Last evaluated 2026-04-01.

Conditions:
Congenital stationary night blindness 1C. Also called: Night blindness, congenital stationary (complete), 1C, autosomal recessive. Identifiers: Orphanet 215, MedGen C2750747, MONDO:0013183, OMIM 613216.

Allele frequency attached by ClinVar (database versions not stated): ESP Exome Variant Server 0.00445; 1000 Genomes Project 30x 0.00141; 1000 Genomes Project 0.00140; TOPMed 0.00241.
gnomAD v4.1: 6,546 of 1,614,196 alleles (0.41%); highest among the groups gnomAD compares: Non-Finnish European, 0.48%; 24 homozygotes.

Submissions (8):

CeGaT Center for Human Genetics Tuebingen
Classification: Likely benign. Last evaluated: 2026-04-01. Review status: criteria provided, single submitter. Criteria: CeGaT Center For Human Genetics Tuebingen Variant Classification Criteria Version 2. Collection method: clinical testing. Allele origin: germline. Affected: yes. Observed: 1 variant allele.
Comment: TRPM1: BP4, BS2

Labcorp Genetics (formerly Invitae), Labcorp
Classification: Benign. Last evaluated: 2026-01-30. Review status: criteria provided, single submitter. Criteria: Invitae Variant Classification Sherloc (09022015). Collection method: clinical testing. Allele origin: germline.

Blueprint Genetics
Classification: Likely benign. Last evaluated: 2024-11-27. Review status: criteria provided, single submitter. Criteria: ACMG Guidelines, 2015. Collection method: clinical testing. Allele origin: germline.

Illumina Laboratory Services, Illumina
Classification: Likely benign for Congenital stationary night blindness 1C. Last evaluated: 2018-01-12. Review status: criteria provided, single submitter. Criteria: ICSL Variant Classification Criteria 13 December 2019. Collection method: clinical testing. Allele origin: germline.
Comment: This variant was observed in the ICSL laboratory as part of a predisposition screen in an ostensibly healthy population. It had not been previously curated by ICSL or reported in the Human Gene Mutation Database (HGMD: prior to June 1st, 2018), and was therefore a candidate for classification through an automated scoring system. Utilizing variant allele frequency, disease prevalence and penetrance estimates, and inheritance mode, an automated score was calculated to assess if this variant is too frequent to cause the disease. Based on the score and internal cut-off values, a variant classified as likely benign is not then subjected to further curation. The score for this variant resulted in a classification of likely benign for this disease.

Eurofins Ntd Llc (ga)
Classification: Benign. Last evaluated: 2014-02-18. Review status: criteria provided, single submitter. Criteria: EGL Classification Definitions 2015. Collection method: clinical testing. Allele origin: germline. Observed: 1 variant allele, 1 heterozygote.

Breakthrough Genomics
Classification: Likely benign. Review status: criteria provided, single submitter. Criteria: ACMG Guidelines, 2015. Collection method: not provided. Allele origin: germline. Inheritance: Unknown mechanism. Affected: yes.

Clinical Genetics DNA and cytogenetics Diagnostics Lab, Erasmus MC, Erasmus Medical Center
Classification: Likely benign. Review status: no assertion criteria provided. Collection method: clinical testing. Allele origin: germline. Affected: yes. Study: VKGL Data-share Consensus. Not counted in ClinVar's aggregate classification.

Clinical Genetics, Academic Medical Center
Classification: Likely benign. Review status: no assertion criteria provided. Collection method: clinical testing. Allele origin: germline. Affected: yes. Study: VKGL Data-share Consensus. Not counted in ClinVar's aggregate classification.

NM_001252024.2(TRPM1):c.4330C>T (p.Arg1444Cys)

Gene: TRPM1 (transient receptor potential cation channel subfamily M member 1; minus strand). Cytogenetic location: 15q13.3.
Variant type: single nucleotide variant.
Coding change: c.4330C>T on transcript NM_001252024.2 (MANE Select); coding-DNA position 4330, C replaced by T.
Protein change: p.Arg1444Cys; replaces arginine 1444 with cysteine.
Molecular consequence: missense variant.
Genome position (GRCh38, 1-based): chr15:31,002,370, G>A on the plus strand (C>T on the coding strand, the complement: TRPM1 is on the minus strand). VCF-style: chr15-31002370-G-A. GRCh37 (hg19) VCF-style: chr15-31294573-G-A.
Other names: c.4381C>T, p.Arg1461Cys (NM_001252020.2); c.4264C>T, p.Arg1422Cys (NM_002420.6); short protein forms R1422C, R1444C, R1461C.
Identifiers: ClinVar variation 167746 (VCV000167746.26), dbSNP rs3784587, ClinGen allele CA180463.
Genomic context (GRCh38, chr15:31,002,370, plus strand): 5'-AGACGAAGCTTCTGGACTTCATTGTTTTACAAGCATTGATCGTTTCATCGGGGAAATAGC[G>A]TGTAATTTTGGTTTCTTCCAGGGGATAGGAAATAGTGCCTTCTATATTTGTCGTTTCCAC-3'
Protein context (NP_001238953.1, residues 1434-1454): SYPLEETKIT[Arg1444Cys]YFPDETINAC